The following is an entry in ClinVar:

ClinVar aggregate classification (germline): Uncertain significance (1 of 4 stars; one submission).

Allele frequency attached by ClinVar (database versions not stated): gnomAD exomes below 0.00001; TOPMed below 0.00001.
gnomAD v4.1: 8 of 1,614,090 alleles (0.0005%); highest among the groups gnomAD compares: African/African-American, 0.0013%; no homozygotes.

Submission:

Labcorp Genetics (formerly Invitae), Labcorp
Classification: Uncertain significance. Last evaluated: 2023-05-19. Review status: criteria provided, single submitter. Criteria: Invitae Variant Classification Sherloc (09022015). Collection method: clinical testing. Allele origin: germline.
Comment: In summary, the available evidence is currently insufficient to determine the role of this variant in disease. Therefore, it has been classified as a Variant of Uncertain Significance. Advanced modeling of protein sequence and biophysical properties (such as structural, functional, and spatial information, amino acid conservation, physicochemical variation, residue mobility, and thermodynamic stability) performed at Invitae indicates that this missense variant is not expected to disrupt COL7A1 protein function. This variant has not been reported in the literature in individuals affected with COL7A1-related conditions. This variant is present in population databases (no rsID available, gnomAD 0.007%). This sequence change replaces proline, which is neutral and non-polar, with serine, which is neutral and polar, at codon 2155 of the COL7A1 protein (p.Pro2155Ser).

NM_000094.4(COL7A1):c.6463C>T (p.Pro2155Ser)

Gene: COL7A1 (collagen type VII alpha 1 chain; minus strand). Cytogenetic location: 3p21.31.
Variant type: single nucleotide variant.
Coding change: c.6463C>T on transcript NM_000094.4 (MANE Select); coding-DNA position 6463, C replaced by T.
Protein change: p.Pro2155Ser; replaces proline 2155 with serine.
Molecular consequence: missense variant.
Genome position (GRCh38, 1-based): chr3:48,574,300, G>A on the plus strand (C>T on the coding strand, the complement: COL7A1 is on the minus strand). VCF-style: chr3-48574300-G-A. GRCh37 (hg19) VCF-style: chr3-48611733-G-A.
Other names: short protein forms P2155S.
Identifiers: ClinVar variation 2818525 (VCV002818525.3), dbSNP rs1466823994, ClinGen allele CA352658041.